The following is an entry in ClinVar:

ClinVar aggregate classification (germline): Uncertain significance (1 of 4 stars; one submission).

Conditions:
Hereditary cancer-predisposing syndrome. Also called: Hereditary Cancer Syndrome; Hereditary neoplastic syndrome; Tumor predisposition; Neoplastic Syndromes, Hereditary. Identifiers: Orphanet 140162, MedGen C0027672, MeSH D009386, MONDO:0015356.
Cardiovascular phenotype. Identifiers: MedGen CN230736.

Allele frequency attached by ClinVar (database versions not stated): gnomAD exomes below 0.00001.
gnomAD v4.1: 1 of 1,613,924 alleles (0.000062%); highest among the groups gnomAD compares: Non-Finnish European, 0.000085%; no homozygotes.

Submission:

Ambry Genetics
Classification: Uncertain significance for Cardiovascular phenotype; Hereditary cancer-predisposing syndrome. Last evaluated: 2023-11-28. Review status: criteria provided, single submitter. Criteria: Ambry Variant Classification Scheme 2023. Collection method: clinical testing. Allele origin: germline.
Comment: The p.Q786R variant (also known as c.2357A>G), located in coding exon 20 of the NF1 gene, results from an A to G substitution at nucleotide position 2357. The glutamine at codon 786 is replaced by arginine, an amino acid with highly similar properties. This amino acid position is well conserved in available vertebrate species. In addition, this alteration is predicted to be tolerated by in silico analysis. Since supporting evidence is limited at this time, the clinical significance of this alteration remains unclear.

NM_001042492.3(NF1):c.2357A>G (p.Gln786Arg)

Gene: NF1 (neurofibromin 1; plus strand). Cytogenetic location: 17q11.2.
Variant type: single nucleotide variant.
Coding change: c.2357A>G on transcript NM_001042492.3 (MANE Select); coding-DNA position 2357, A replaced by G.
Protein change: p.Gln786Arg; replaces glutamine 786 with arginine.
Molecular consequence: missense variant.
Genome position (GRCh38, 1-based): chr17:31,227,554, A>G. VCF-style: chr17-31227554-A-G. GRCh37 (hg19) VCF-style: chr17-29554572-A-G.
Other names: c.2357A>G, p.Gln786Arg (NM_000267.4); short protein forms Q786R.
Identifiers: ClinVar variation 1790087 (VCV001790087.2), dbSNP rs2151427502, ClinGen allele CA398983128.
Genomic context (GRCh38, chr17:31,227,554, plus strand): 5'-CTTTCAAGTGATAATTGCCTTCATTTTAGGCTTGGGAAGATACACATGCAAAATGGGAAC[A>G]AGCAACAAAGCTAATCCTTAACTATCCAAAAGCCAAAATGGAAGATGGCCAGGTAAGTCT-3'
Protein context (NP_001035957.1, residues 776-796): AWEDTHAKWE[Gln786Arg]ATKLILNYPK